The following is an entry in ClinVar:

NM_000530.8(MPZ):c.646-3C>A

Gene: MPZ (myelin protein zero; minus strand). Cytogenetic location: 1q23.3.
Variant type: single nucleotide variant.
Coding change: c.646-3C>A on transcript NM_000530.8 (MANE Select); 3 bases into the intron before coding-DNA position 646, C replaced by A.
Molecular consequence: intron variant.
Genome position (GRCh38, 1-based): chr1:161,305,980, G>T on the plus strand (C>A on the coding strand, the complement: MPZ is on the minus strand). VCF-style: chr1-161305980-G-T. GRCh37 (hg19) VCF-style: chr1-161275770-G-T.
Other names: c.646-3C>A (NM_001315491.2, LRG_256t1).
Identifiers: ClinVar variation 373619 (VCV000373619.9), dbSNP rs750756212, ClinGen allele CA16042300.

ClinVar aggregate classification (germline): Uncertain significance. Review status: criteria provided, multiple submitters, no conflicts (2 of 4 stars). 3 submissions from 3 submitters: Uncertain significance (3). Last evaluated 2025-06-08.

Conditions:
Charcot-Marie-Tooth disease, type I (CMT1). Also called: Charcot-Marie-Tooth disease type 1; Charcot-Marie-Tooth, Type 1. Identifiers: Orphanet 65753, MedGen C0751036, MONDO:0019011.

Submissions (3):

Labcorp Genetics (formerly Invitae), Labcorp
Classification: Uncertain significance for Charcot-Marie-Tooth disease, type I. Last evaluated: 2025-06-08. Review status: criteria provided, single submitter. Criteria: Invitae Variant Classification Sherloc (09022015). Collection method: clinical testing. Allele origin: germline.
Comment: This sequence change falls in intron 5 of the MPZ gene. It does not directly change the encoded amino acid sequence of the MPZ protein. It affects a nucleotide within the consensus splice site. This variant is not present in population databases (gnomAD no frequency). This variant has been observed in individual(s) with MPZ-related conditions (internal data). ClinVar contains an entry for this variant (Variation ID: 373619). Variants that disrupt the consensus splice site are a relatively common cause of aberrant splicing (PMID: 17576681, 9536098). Algorithms developed to predict the effect of sequence changes on RNA splicing suggest that this variant may disrupt the consensus splice site. This variant disrupts the c.646-3C nucleotide in the MPZ gene. Other variant(s) that disrupt this nucleotide have been determined to be pathogenic (PMID: 33179255; internal data). This suggests that this nucleotide is clinically significant, and that variants that disrupt this position are likely to be disease-causing. In summary, the available evidence is currently insufficient to determine the role of this variant in disease. Therefore, it has been classified as a Variant of Uncertain Significance.

Athena Diagnostics
Classification: Uncertain significance. Last evaluated: 2021-03-10. Review status: criteria provided, single submitter. Criteria: Athena Diagnostics criteria. Collection method: clinical testing. Allele origin: unknown.

GeneDx
Classification: Uncertain significance. Last evaluated: 2016-11-28. Review status: criteria provided, single submitter. Criteria: GeneDx Variant Classification (06012015). Collection method: clinical testing. Allele origin: germline. Affected: yes.
Comment: A variant of uncertain significance has been identified in the MPZ gene. The c.646-3 C>A variant has not been published as a pathogenic variant, nor has it been reported as a benign variant to our knowledge. The c.646-3 C>A variant is not observed in large population cohorts (Lek et al., 2016; 1000 Genomes Consortium et al., 2015; Exome Variant Server). This substitution occurs at a position that is conserved across species. Several in-silico splice prediction models predict that c.646-3 C>A may damage or destroy the natural splice acceptor site for intron 5 and lead to abnormal gene splicing. However, in the absence of RNA/functional studies, the actual effect of this sequence change is unknown. Therefore, based on the currently available information, it is unclear whether this variant is a pathogenic variant or a rare benign variant.

Literature cited by the submitters: PubMed 17576681 (cited by Labcorp Genetics (formerly Invitae), Labcorp); PubMed 9536098 (cited by Labcorp Genetics (formerly Invitae), Labcorp); PubMed 33179255 (cited by Labcorp Genetics (formerly Invitae), Labcorp).